The following is an entry in ClinVar:

NM_002691.4(POLD1):c.1495-12G>A

Gene: POLD1 (DNA polymerase delta 1, catalytic subunit; plus strand). Cytogenetic location: 19q13.33.
Variant type: single nucleotide variant.
Coding change: c.1495-12G>A on transcript NM_002691.4 (MANE Select); 12 bases into the intron before coding-DNA position 1495, G replaced by A.
Molecular consequence: intron variant.
Genome position (GRCh38, 1-based): chr19:50,406,971, G>A. VCF-style: chr19-50406971-G-A. GRCh37 (hg19) VCF-style: chr19-50910228-G-A.
Other names: c.1495-12G>A (NM_001256849.1, NM_001308632.1).
Identifiers: ClinVar variation 1457883 (VCV001457883.9), dbSNP rs1360896041, ClinGen allele CA883190303.

ClinVar aggregate classification (germline): Likely benign. Review status: criteria provided, multiple submitters, no conflicts (2 of 4 stars). 2 submissions from 2 submitters: Likely benign (2). Last evaluated 2025-02-06.

Conditions:
POLD1-related polyposis and colorectal cancer syndrome (CRCS10). Also called: Colorectal cancer 10; COLORECTAL CANCER, SUSCEPTIBILITY TO, ON CHROMOSOME 19q; Colorectal cancer, susceptibility to, 10. Identifiers: Orphanet 220460, MedGen C2675481, MONDO:0012953, OMIM 612591.

Allele frequency attached by ClinVar (database versions not stated): gnomAD 0.00001.
gnomAD v4.1: 1 of 1,571,214 alleles (0.000064%); highest among the groups gnomAD compares: Non-Finnish European, 0.000087%; no homozygotes.

Submissions (2):

Myriad Genetics, Inc.
Classification: Likely benign for POLD1-related polyposis and colorectal cancer syndrome. Last evaluated: 2025-02-06. Review status: criteria provided, single submitter. Criteria: Myriad Autosomal Dominant, Autosomal Recessive and X-Linked Classification Criteria (2023). Collection method: clinical testing. Allele origin: unknown.
Comment: This variant is considered likely benign. This variant is intronic and is not expected to impact mRNA splicing.

Labcorp Genetics (formerly Invitae), Labcorp
Classification: Likely benign for POLD1-related polyposis and colorectal cancer syndrome. Last evaluated: 2022-11-06. Review status: criteria provided, single submitter. Criteria: Invitae Variant Classification Sherloc (09022015). Collection method: clinical testing. Allele origin: germline.